The following is an entry in ClinVar:

NM_015488.5(PNKD):c.196A>G (p.Lys66Glu)

Gene: PNKD (PNKD metallo-beta-lactamase domain containing; plus strand). Cytogenetic location: 2q35.
Variant type: single nucleotide variant.
Coding change: c.196A>G on transcript NM_015488.5 (MANE Select); coding-DNA position 196, A replaced by G.
Protein change: p.Lys66Glu; replaces lysine 66 with glutamic acid.
Molecular consequence: missense variant.
Genome position (GRCh38, 1-based): chr2:218,271,509, A>G. VCF-style: chr2-218271509-A-G. GRCh37 (hg19) VCF-style: chr2-219136232-A-G.
Other names: c.196A>G, p.Lys66Glu (NM_001077399.3); short protein forms K66E.
Identifiers: ClinVar variation 1519121 (VCV001519121.8), dbSNP rs2106177705, ClinGen allele CA350544847.
Genomic context (GRCh38, chr2:218,271,509, plus strand): 5'-TCCCCAGAGGGCAAGGAGGAACCTGAACCCCTATCCCCGGAGCTGGAATACATTCCCAGA[A>G]AGAGGGGCAAGAACCCCATGAAAGCTGTGGGACTGGCCTGGTGAGTTTTAACCACCCCTT-3'
Protein context (NP_056303.3, residues 56-76): LSPELEYIPR[Lys66Glu]RGKNPMKAVG

ClinVar aggregate classification (germline): Uncertain significance (1 of 4 stars; one submission).

Conditions:
Paroxysmal nonkinesigenic dyskinesia. Also called: Paroxysmal non-kinesigenic dyskinesia. Identifiers: Orphanet 98810, MedGen C1869117, MONDO:0700088.

gnomAD v4.1: 1 of 1,614,174 alleles (0.000062%); no homozygotes.

Submission:

Labcorp Genetics (formerly Invitae), Labcorp
Classification: Uncertain significance for Paroxysmal nonkinesigenic dyskinesia. Last evaluated: 2024-07-18. Review status: criteria provided, single submitter. Criteria: Invitae Variant Classification Sherloc (09022015). Collection method: clinical testing. Allele origin: germline.
Comment: This sequence change replaces lysine, which is basic and polar, with glutamic acid, which is acidic and polar, at codon 66 of the PNKD protein (p.Lys66Glu). This variant is not present in population databases (gnomAD no frequency). This variant has not been reported in the literature in individuals affected with PNKD-related conditions. ClinVar contains an entry for this variant (Variation ID: 1519121). An algorithm developed to predict the effect of missense changes on protein structure and function (PolyPhen-2) suggests that this variant is likely to be tolerated. In summary, the available evidence is currently insufficient to determine the role of this variant in disease. Therefore, it has been classified as a Variant of Uncertain Significance.